The following is an entry in ClinVar:

ClinVar aggregate classification (germline): Pathogenic (1 of 4 stars; one submission).

Submission:

Labcorp Genetics (formerly Invitae), Labcorp
Classification: Pathogenic. Last evaluated: 2024-07-31. Review status: criteria provided, single submitter. Criteria: Invitae Variant Classification Sherloc (09022015). Collection method: clinical testing. Allele origin: germline.
Comment: This sequence change creates a premature translational stop signal (p.Leu198Serfs*57) in the POLR1C gene. It is expected to result in an absent or disrupted protein product. Loss-of-function variants in POLR1C are known to be pathogenic (PMID: 21131976, 26151409, 32042905). This variant is present in population databases (rs745324006, gnomAD 0.03%). This variant has not been reported in the literature in individuals affected with POLR1C-related conditions. For these reasons, this variant has been classified as Pathogenic.

Literature cited by the submitters: PubMed 21131976; PubMed 26151409; PubMed 32042905.

NM_203290.4(POLR1C):c.589_590dup (p.Leu198fs)

Gene: POLR1C (RNA polymerase I and III subunit C; plus strand). Cytogenetic location: 6p21.1.
Variant type: Microsatellite.
Coding change: c.589_590dup on transcript NM_203290.4 (MANE Select); coding-DNA positions 589 to 590, 2 bases duplicated (AT; older notation c.589_590dupAT).
Protein change: p.Leu198fs; shifts the reading frame from leucine 198.
Molecular consequence: frameshift variant.
Genome position (GRCh38, 1-based): chr6:43,520,361-43,520,362, AT duplicated; duplicating any 2 consecutive bases within chr6:43,520,359-43,520,362 gives the same sequence; the c. name uses the placement nearest the transcript's 3' end. VCF-style (leftmost placement, unchanged base first): chr6-43520358-G-GAT. GRCh37 (hg19) VCF-style: chr6-43488096-G-GAT.
Other names: c.589_590dup, p.Leu198fs (NM_001318876.2, NM_001363658.2); short protein forms L198fs.
Identifiers: ClinVar variation 3696905 (VCV003696905.2).